The following is an entry in ClinVar:

NM_002661.5(PLCG2):c.223C>G (p.Pro75Ala)

Gene: PLCG2 (phospholipase C gamma 2; plus strand). Cytogenetic location: 16q23.3.
Variant type: single nucleotide variant.
Coding change: c.223C>G on transcript NM_002661.5 (MANE Select); coding-DNA position 223, C replaced by G.
Protein change: p.Pro75Ala; replaces proline 75 with alanine.
Molecular consequence: missense variant.
Genome position (GRCh38, 1-based): chr16:81,854,473, C>G. VCF-style: chr16-81854473-C-G. GRCh37 (hg19) VCF-style: chr16-81888078-C-G.
Other names: c.223C>G, p.Pro75Ala (NM_001425749.1, NM_001425750.1, NM_001425751.1); short protein forms P75A.
Identifiers: ClinVar variation 4848093 (VCV004848093.1).

ClinVar aggregate classification (germline): Uncertain significance (1 of 4 stars; one submission).

gnomAD v4.1: 1 of 1,614,030 alleles (0.000062%); highest among the groups gnomAD compares: Non-Finnish European, 0.000085%; no homozygotes.

Submission:

Women's Health and Genetics/Laboratory Corporation of America, LabCorp
Classification: Uncertain significance. Last evaluated: 2026-02-03. Review status: criteria provided, single submitter. Criteria: LabCorp Variant Classification Summary - May 2015. Collection method: clinical testing. Allele origin: germline.
Comment: Variant summary: PLCG2 c.223C>G (p.Pro75Ala) results in a non-conservative amino acid change in the encoded protein sequence. Algorithms developed to predict the effect of missense changes on protein structure and function are either unavailable or do not agree on the potential impact of this missense change. The variant allele was found at a frequency of 4e-06 in 249396 control chromosomes. The available data on variant occurrences in the general population are insufficient to allow any conclusion about variant significance. To our knowledge, no occurrence of c.223C>G in individuals affected with PLCG2-related conditions and no experimental evidence demonstrating its impact on protein function have been reported. No submitters have cited clinical-significance assessments for this variant to ClinVar. Based on the evidence outlined above, the variant was classified as uncertain significance.